The following is an entry in ClinVar:

NM_021098.3(CACNA1H):c.3618G>A (p.Pro1206=)

Gene: CACNA1H (calcium voltage-gated channel subunit alpha1 H; plus strand). Cytogenetic location: 16p13.3.
Variant type: single nucleotide variant.
Coding change: c.3618G>A on transcript NM_021098.3 (MANE Select); coding-DNA position 3618, G replaced by A.
Protein change: p.Pro1206=; no amino-acid change (proline 1206 retained).
Molecular consequence: synonymous variant.
Genome position (GRCh38, 1-based): chr16:1,209,286, G>A. VCF-style: chr16-1209286-G-A. GRCh37 (hg19) VCF-style: chr16-1259286-G-A.
Other names: c.3618G>A, p.Pro1206= (NM_001005407.2).
Identifiers: ClinVar variation 707031 (VCV000707031.18), dbSNP rs771412437, ClinGen allele CA7800817.

ClinVar aggregate classification (germline): Likely benign. Review status: criteria provided, multiple submitters, no conflicts (2 of 4 stars). 3 submissions from 3 submitters: Likely benign (3). Last evaluated 2025-12-13.

Conditions:
Hyperaldosteronism, familial, type IV (HALD4). Also called: FH IV; ALDOSTERONISM, PRIMARY, AND HYPERTENSION. Identifiers: Orphanet 642671, MedGen C4310756, MONDO:0014875, OMIM 617027.
Idiopathic generalized epilepsy. Also called: EIG; Generalised epilepsy. Identifiers: MedGen C0270850, MONDO:0005579, OMIM 600669.

Allele frequency attached by ClinVar (database versions not stated): TOPMed 0.00023; gnomAD exomes 0.00026; gnomAD 0.00029 and 0.00030; ExAC 0.00064.
gnomAD v4.1: 386 of 1,569,708 alleles (0.025%); highest among the groups gnomAD compares: Middle Eastern, 0.066%; no homozygotes.

Submissions (3):

Labcorp Genetics (formerly Invitae), Labcorp
Classification: Likely benign for Idiopathic generalized epilepsy; Hyperaldosteronism, familial, type IV. Last evaluated: 2025-12-13. Review status: criteria provided, single submitter. Criteria: Invitae Variant Classification Sherloc (09022015). Collection method: clinical testing. Allele origin: germline.

CeGaT Center for Human Genetics Tuebingen
Classification: Likely benign. Last evaluated: 2025-03-01. Review status: criteria provided, single submitter. Criteria: CeGaT Center For Human Genetics Tuebingen Variant Classification Criteria Version 2. Collection method: clinical testing. Allele origin: germline. Affected: yes. Observed: 1 variant allele.
Comment: CACNA1H: BP4, BP7

Blueprint Genetics
Classification: Likely benign. Last evaluated: 2024-10-29. Review status: criteria provided, single submitter. Criteria: ACMG Guidelines, 2015. Collection method: clinical testing. Allele origin: germline.